The following is an entry in ClinVar:

NM_020778.5(ALPK3):c.1888G>A (p.Ala630Thr)

Gene: ALPK3 (alpha kinase 3; plus strand). Cytogenetic location: 15q25.3.
Variant type: single nucleotide variant.
Coding change: c.1888G>A on transcript NM_020778.5 (MANE Select); coding-DNA position 1888, G replaced by A.
Protein change: p.Ala630Thr; replaces alanine 630 with threonine.
Molecular consequence: missense variant.
Genome position (GRCh38, 1-based): chr15:84,856,626, G>A. VCF-style: chr15-84856626-G-A. GRCh37 (hg19) VCF-style: chr15-85399857-G-A.
Other names: short protein forms A630T.
Identifiers: ClinVar variation 1437597 (VCV001437597.6), dbSNP rs188035818, ClinGen allele CA273623752.

ClinVar aggregate classification (germline): Uncertain significance (1 of 4 stars; one submission).

Allele frequency attached by ClinVar (database versions not stated): gnomAD exomes below 0.00001; TOPMed below 0.00001; gnomAD 0.00001; 1000 Genomes Project 0.00020; 1000 Genomes Project 30x 0.00031.
gnomAD v4.1: 2 of 1,614,128 alleles (0.00012%); highest among the groups gnomAD compares: East Asian, 0.0045%; no homozygotes.

Submission:

Labcorp Genetics (formerly Invitae), Labcorp
Classification: Uncertain significance. Last evaluated: 2021-07-31. Review status: criteria provided, single submitter. Criteria: Invitae Variant Classification Sherloc (09022015). Collection method: clinical testing. Allele origin: germline.
Comment: Algorithms developed to predict the effect of missense changes on protein structure and function output the following: SIFT: "Tolerated"; PolyPhen-2: "Benign"; Align-GVGD: "Class C0". The threonine amino acid residue is found in multiple mammalian species, which suggests that this missense change does not adversely affect protein function. In summary, the available evidence is currently insufficient to determine the role of this variant in disease. Therefore, it has been classified as a Variant of Uncertain Significance. This variant has not been reported in the literature in individuals affected with ALPK3-related conditions. This variant is not present in population databases (ExAC no frequency). This sequence change replaces alanine with threonine at codon 832 of the ALPK3 protein (p.Ala832Thr). The alanine residue is weakly conserved and there is a small physicochemical difference between alanine and threonine.